The following is an entry in ClinVar:

ClinVar aggregate classification (germline): Uncertain significance (1 of 4 stars; one submission).

Submission:

Labcorp Genetics (formerly Invitae), Labcorp
Classification: Uncertain significance. Last evaluated: 2025-08-31. Review status: criteria provided, single submitter. Criteria: Invitae Variant Classification Sherloc (09022015). Collection method: clinical testing. Allele origin: germline.
Comment: This sequence change replaces proline, which is neutral and non-polar, with serine, which is neutral and polar, at codon 679 of the ALPK3 protein (p.Pro679Ser). This variant is not present in population databases (gnomAD no frequency). This variant has not been reported in the literature in individuals affected with ALPK3-related conditions. Invitae Evidence Modeling of protein sequence and biophysical properties (such as structural, functional, and spatial information, amino acid conservation, physicochemical variation, residue mobility, and thermodynamic stability) has been performed for this missense variant. However, the output from this modeling did not meet the statistical confidence thresholds required to predict the impact of this variant on ALPK3 protein function. In summary, the available evidence is currently insufficient to determine the role of this variant in disease. Therefore, it has been classified as a Variant of Uncertain Significance.

NM_020778.5(ALPK3):c.1429C>T (p.Pro477Ser)

Gene: ALPK3 (alpha kinase 3; plus strand). Cytogenetic location: 15q25.3.
Variant type: single nucleotide variant.
Coding change: c.1429C>T on transcript NM_020778.5 (MANE Select); coding-DNA position 1429, C replaced by T.
Protein change: p.Pro477Ser; replaces proline 477 with serine.
Molecular consequence: missense variant.
Genome position (GRCh38, 1-based): chr15:84,840,708, C>T. VCF-style: chr15-84840708-C-T. GRCh37 (hg19) VCF-style: chr15-85383939-C-T.
Other names: short protein forms P477S.
Identifiers: ClinVar variation 4742590 (VCV004742590.1).